The following is an entry in ClinVar:

NM_000352.6(ABCC8):c.-9_1dup (p.Met1fs)

Gene: ABCC8 (ATP binding cassette subfamily C member 8; minus strand). Cytogenetic location: 11p15.1.
Variant type: Duplication.
Coding change: c.-9_1dup on transcript NM_000352.6 (MANE Select); 9 bases upstream of the start codon through coding-DNA position 1, 10 bases duplicated (CGCGCCGCCA; older notation c.-9_1dupCGCGCCGCCA).
Protein change: p.Met1fs; shifts the reading frame from methionine 1.
Molecular consequence: frameshift variant, initiator codon variant. On other transcripts: non-coding transcript variant (1).
Genome position (GRCh38, 1-based): chr11:17,476,776-17,476,785, TGGCGGCGCG duplicated on the plus strand (CGCGCCGCCA on the coding strand, the reverse complement: ABCC8 is on the minus strand). VCF-style (leftmost placement, unchanged base first): chr11-17476775-A-ATGGCGGCGCG. GRCh37 (hg19) VCF-style: chr11-17498322-A-ATGGCGGCGCG.
Other names: c.-9_1dup, p.Met1fs (NM_001287174.3, NM_001351295.2, NM_001351296.2 and 1 more transcripts); short protein forms M1fs.
Identifiers: ClinVar variation 2022283 (VCV002022283.5), dbSNP rs2496931516, ClinGen allele CA2580082802.

ClinVar aggregate classification (germline): Pathogenic (1 of 4 stars; one submission).

Submission:

Labcorp Genetics (formerly Invitae), Labcorp
Classification: Pathogenic. Last evaluated: 2022-09-15. Review status: criteria provided, single submitter. Criteria: Invitae Variant Classification Sherloc (09022015). Collection method: clinical testing. Allele origin: germline.
Comment: This variant disrupts a region of the ABCC8 protein in which other variant(s) (p.Val21Asp) have been determined to be pathogenic (PMID: 19475716, 20685672, 23345197). This suggests that this is a clinically significant region of the protein, and that variants that disrupt it are likely to be disease-causing. For these reasons, this variant has been classified as Pathogenic. This sequence change affects the initiator methionine of the ABCC8 mRNA. The next in-frame methionine is located at codon 80. This variant is not present in population databases (gnomAD no frequency). Disruption of the initiator codon has been observed in individual(s) with autosomal recessive hyperinsulinism (PMID: 17378627).

Literature cited by the submitters: PubMed 19475716; PubMed 20685672; PubMed 23345197; PubMed 17378627.